The following is an entry in ClinVar:

NM_177438.3(DICER1):c.5236G>T (p.Ala1746Ser)

Gene: DICER1 (dicer 1, ribonuclease III; minus strand). Cytogenetic location: 14q32.13.
Variant type: single nucleotide variant.
Coding change: c.5236G>T on transcript NM_177438.3 (MANE Select); coding-DNA position 5236, G replaced by T.
Protein change: p.Ala1746Ser; replaces alanine 1746 with serine.
Molecular consequence: missense variant.
Genome position (GRCh38, 1-based): chr14:95,094,016, C>A on the plus strand (G>T on the coding strand, the complement: DICER1 is on the minus strand). VCF-style: chr14-95094016-C-A. GRCh37 (hg19) VCF-style: chr14-95560353-C-A.
Other names: c.5236G>T, p.Ala1746Ser (NM_001195573.1, NM_001271282.3, NM_001291628.2 and 1 more transcripts); short protein forms A1746S.
Identifiers: ClinVar variation 825576 (VCV000825576.11), dbSNP rs1595330274, ClinGen allele CA390865150.

ClinVar aggregate classification (germline): Uncertain significance. Review status: criteria provided, multiple submitters, no conflicts (2 of 4 stars). 3 submissions from 3 submitters: Uncertain significance (3). Last evaluated 2025-03-04.

Conditions:
DICER1-related tumor predisposition. Also called: DICER1-related pleuropulmonary blastoma cancer predisposition syndrome; DICER1 syndrome. Identifiers: Orphanet 284343, MedGen C3839822, MONDO:0100216.
Hereditary cancer-predisposing syndrome. Also called: Neoplastic Syndromes, Hereditary; Hereditary Cancer Syndrome; Hereditary neoplastic syndrome; Tumor predisposition. Identifiers: Orphanet 140162, MedGen C0027672, MeSH D009386, MONDO:0015356.

Submissions (3):

Center for Genomic Medicine, Rigshospitalet, Copenhagen University Hospital
Classification: Uncertain significance. Last evaluated: 2025-03-04. Review status: criteria provided, single submitter. Criteria: ACMG Guidelines, 2015. Collection method: clinical testing. Allele origin: germline.

Labcorp Genetics (formerly Invitae), Labcorp
Classification: Uncertain significance for DICER1-related tumor predisposition. Last evaluated: 2023-09-18. Review status: criteria provided, single submitter. Criteria: Invitae Variant Classification Sherloc (09022015). Collection method: clinical testing. Allele origin: germline.
Comment: This variant has not been reported in the literature in individuals affected with DICER1-related conditions. This variant is not present in population databases (gnomAD no frequency). This sequence change replaces alanine, which is neutral and non-polar, with serine, which is neutral and polar, at codon 1746 of the DICER1 protein (p.Ala1746Ser). ClinVar contains an entry for this variant (Variation ID: 825576). In summary, the available evidence is currently insufficient to determine the role of this variant in disease. Therefore, it has been classified as a Variant of Uncertain Significance. Advanced modeling of protein sequence and biophysical properties (such as structural, functional, and spatial information, amino acid conservation, physicochemical variation, residue mobility, and thermodynamic stability) performed at Invitae indicates that this missense variant is expected to disrupt DICER1 protein function.

Ambry Genetics
Classification: Uncertain significance for Hereditary cancer-predisposing syndrome. Last evaluated: 2017-12-20. Review status: criteria provided, single submitter. Criteria: Ambry Variant Classification Scheme 2023. Collection method: clinical testing. Allele origin: germline.
Comment: The p.A1746S variant (also known as c.5236G>T), located in coding exon 23 of the DICER1 gene, results from a G to T substitution at nucleotide position 5236. The alanine at codon 1746 is replaced by serine, an amino acid with similar properties. This amino acid position is highly conserved in available vertebrate species. In addition, this alteration is predicted to be deleterious by in silico analysis. Since supporting evidence is limited at this time, the clinical significance of this alteration remains unclear.